The following is an entry in ClinVar:

ClinVar aggregate classification (germline): Likely pathogenic (0 of 4 stars; one submission).

Conditions:
NYX-related disorder. Also called: NYX-related condition.

Submission:

PreventionGenetics, part of Exact Sciences
Classification: Likely pathogenic for NYX-related condition. Last evaluated: 2024-06-12. Review status: no assertion criteria provided. Collection method: clinical testing. Allele origin: germline.
Comment: The NYX c.144C>A variant is predicted to result in premature protein termination (p.Cys48*). To our knowledge, this variant has not been reported in the literature or in a large population database, indicating this variant is rare. Nonsense variants in NYX are expected to be pathogenic. This variant is interpreted as likely pathogenic.

NM_001378477.3(NYX):c.129C>A (p.Cys43Ter)

Gene: NYX (nyctalopin; plus strand). Cytogenetic location: Xp11.4.
Variant type: single nucleotide variant.
Coding change: c.129C>A on transcript NM_001378477.3 (MANE Select); coding-DNA position 129, C replaced by A.
Protein change: p.Cys43Ter; replaces cysteine 43 with a stop codon.
Molecular consequence: nonsense.
Genome position (GRCh38, 1-based): chrX:41,473,597, C>A. VCF-style: chrX-41473597-C-A. GRCh37 (hg19) VCF-style: chrX-41332850-C-A.
Other names: c.129C>A, p.Cys43Ter (NM_022567.3); short protein forms C43*.
Identifiers: ClinVar variation 3358283 (VCV003358283.1).
Genomic context (GRCh38, chrX:41,473,597, plus strand): 5'-CCGCGCTTGTCCCGCCGCCTGCGCCTGCAGCACCGTGGAGCGCGGCTGCTCGGTGCGCTG[C>A]GACCGCGCGGGCCTCCTGCGGGTGCCGGCCGAGCTCCCGTGCGAGGCGGTCTCCATCGAC-3'